The following is an entry in ClinVar:

ClinVar aggregate classification (germline): Likely pathogenic (1 of 4 stars; one submission).

Conditions:
Sensory ataxic neuropathy, dysarthria, and ophthalmoparesis (SANDO). Also called: SENSORY ATAXIC NEUROPATHY WITH MITOCHONDRIAL DNA DELETIONS, AUTOSOMAL RECESSIVE; Epilepsy, progressive myoclonic, type 5; Ataxia Neuropathy Spectrum (ANS); Sensory ataxic neuropathy-dysarthria-ophthalmoparesis syndrome. Identifiers: Orphanet 70595, MedGen C1843851, MONDO:0011835, OMIM 607459.
Progressive external ophthalmoplegia with mitochondrial DNA deletions, autosomal dominant 1 (PEOA1). Also called: Autosomal Dominant Progressive External Ophthalmoplegia (adPEO); PROGRESSIVE EXTERNAL OPHTHALMOPLEGIA, AUTOSOMAL DOMINANT 1. Identifiers: MedGen C1834846, MONDO:0024528, OMIM 157640.
Progressive external ophthalmoplegia with mitochondrial DNA deletions, autosomal recessive 1 (PEOB1). Also called: Autosomal Recessive Progressive External Ophthalmoplegia (arPEO); Progressive external ophthalmoplegia, autosomal recessive 1. Identifiers: Orphanet 254886, MedGen C4225153, MONDO:0009783, OMIM 258450.
Mitochondrial DNA depletion syndrome 4b. Also called: Mitochondrial Neurogastrointestinal Encephalopathy Disease, POLG-Related; MNGIE, POLG-RELATED. Identifiers: Orphanet 298, MedGen C3150914, MONDO:0013350, OMIM 613662.
Progressive sclerosing poliodystrophy (MTDPS4A). Also called: ALPERS PROGRESSIVE INFANTILE POLIODYSTROPHY; Mitochondrial DNA Depletion Syndrome 4A; Alpers Syndrome; Mitochondrial DNA depletion syndrome 4A (Alpers type); NEURONAL DEGENERATION OF CHILDHOOD WITH LIVER DISEASE, PROGRESSIVE; ALPERS DIFFUSE DEGENERATION OF CEREBRAL GRAY MATTER WITH HEPATIC CIRRHOSIS. Identifiers: Orphanet 726, MedGen C0205710, MONDO:0008758, OMIM 203700.

Submission:

Juno Genomics, Hangzhou Juno Genomics, Inc
Classification: Likely pathogenic for Progressive sclerosing poliodystrophy; Sensory ataxic neuropathy, dysarthria, and ophthalmoparesis; Mitochondrial DNA depletion syndrome 4b; Progressive external ophthalmoplegia with mitochondrial DNA deletions, autosomal dominant 1; Progressive external ophthalmoplegia with mitochondrial DNA deletions, autosomal recessive 1. Review status: criteria provided, single submitter. Criteria: ACMG Guidelines, 2015. Collection method: clinical testing. Allele origin: germline.
Comment: Null variant in a gene where loss of function (LOF) is a known mechanism of disease.;Absent from controls (or at extremely low frequency if recessive) in Genome Aggregation Database.

NM_002693.3(POLG):c.1258del (p.His420fs)

Gene: POLG (DNA polymerase gamma, catalytic subunit; minus strand). Cytogenetic location: 15q26.1.
Variant type: Deletion.
Coding change: c.1258del on transcript NM_002693.3 (MANE Select); coding-DNA position 1258, one base deleted (C; older notation c.1258delC).
Protein change: p.His420fs; shifts the reading frame from histidine 420.
Molecular consequence: frameshift variant.
Genome position (GRCh38, 1-based): chr15:89,327,342, G deleted on the plus strand (C on the coding strand, the reverse complement: POLG is on the minus strand); the first of 4 consecutive G bases (chr15:89,327,342-89,327,345); deleting any one gives the same sequence. VCF-style (leftmost placement, unchanged base first): chr15-89327341-TG-T. GRCh37 (hg19) VCF-style: chr15-89870572-TG-T.
Other names: c.1258del, p.His420fs (NM_001126131.2); short protein forms H420fs.
Identifiers: ClinVar variation 5005479 (VCV005005479.2).